The following is an entry in ClinVar:

NM_004991.4(MECOM):c.2227G>A (p.Asp743Asn)

Gene: MECOM (MDS1 and EVI1 complex locus; minus strand). Cytogenetic location: 3q26.2.
Variant type: single nucleotide variant.
Coding change: c.2227G>A on transcript NM_004991.4 (MANE Select); coding-DNA position 2227, G replaced by A.
Protein change: p.Asp743Asn; replaces aspartic acid 743 with asparagine.
Molecular consequence: missense variant.
Genome position (GRCh38, 1-based): chr3:169,115,645, C>T on the plus strand (G>A on the coding strand, the complement: MECOM is on the minus strand). VCF-style: chr3-169115645-C-T. GRCh37 (hg19) VCF-style: chr3-168833433-C-T.
Other names: c.1858G>A, p.Asp620Asn (NM_001105077.4); c.1663G>A, p.Asp555Asn (NM_001105078.4, NM_001164000.2, NM_001205194.2 and 4 more transcripts); c.1666G>A, p.Asp556Asn (NM_001163999.2, NM_001366467.2, NM_001366468.2 and 1 more transcripts); c.2227G>A, p.Asp743Asn (NM_001366466.2); c.1255G>A, p.Asp419Asn (NM_001366473.2); c.691G>A, p.Asp231Asn (NM_001366474.2); short protein forms D231N, D419N, D555N, D556N, D620N, D743N.
Identifiers: ClinVar variation 4624720 (VCV004624720.1).
Genomic context (GRCh38, chr3:169,115,645, plus strand): 5'-CTGGAGGCTTGGAGGGGACTGGAGTCAAGGGCTTCTCATCCTTTCGCTTAGTGGTGAGAT[C>T]AAAGGGGGACTCAGAGCTGCCCTTCTGCAGTTTCTTTACTTCACCTGGTGATTGGGGTTC-3'
Protein context (NP_004982.2, residues 733-753): LQKGSSESPF[Asp743Asn]LTTKRKDEKP

ClinVar aggregate classification (germline): Uncertain significance (1 of 4 stars; one submission).

Conditions:
Inborn genetic diseases. Identifiers: MedGen C0950123, MeSH D030342.

gnomAD v4.1: 1 of 1,614,072 alleles (0.000062%); highest among the groups gnomAD compares: Non-Finnish European, 0.000085%; no homozygotes.

Submission:

Ambry Genetics
Classification: Uncertain significance for Inborn genetic diseases. Last evaluated: 2025-11-26. Review status: criteria provided, single submitter. Criteria: Ambry Variant Classification Scheme 2023. Collection method: clinical testing. Allele origin: germline.
Comment: The p.D743N variant (also known as c.2227G>A), located in coding exon 8 of the MECOM gene, results from a G to A substitution at nucleotide position 2227. The aspartic acid at codon 743 is replaced by asparagine, an amino acid with highly similar properties. This amino acid position is conserved. In addition, this alteration is predicted to be tolerated by in silico analysis. Based on the available evidence, the clinical significance of this variant remains unclear.